The following is an entry in ClinVar:

NM_025114.4(CEP290):c.1523-412C>T

Gene: CEP290 (centrosomal protein 290; minus strand). Cytogenetic location: 12q21.32.
Variant type: single nucleotide variant.
Coding change: c.1523-412C>T on transcript NM_025114.4 (MANE Select); 412 bases into the intron before coding-DNA position 1523, C replaced by T.
Molecular consequence: intron variant.
Genome position (GRCh38, 1-based): chr12:88,119,155, G>A on the plus strand (C>T on the coding strand, the complement: CEP290 is on the minus strand). VCF-style: chr12-88119155-G-A. GRCh37 (hg19) VCF-style: chr12-88512932-G-A.
Identifiers: ClinVar variation 1065719 (VCV001065719.1), dbSNP rs1381940328, ClinGen allele CA606449808.

ClinVar aggregate classification (germline): Likely pathogenic (1 of 4 stars; one submission).

Conditions:
Leber congenital amaurosis 10 (LCA10). Identifiers: Orphanet 65, MedGen C1857821, MONDO:0012723, OMIM 611755.

Allele frequency attached by ClinVar (database versions not stated): TOPMed 0.00002; gnomAD 0.00003.
gnomAD v4.1: 4 of 152,022 alleles (0.0026%); highest among the groups gnomAD compares: Non-Finnish European, 0.0044%; no homozygotes.

Submission:

Ocular Genomics Institute, Massachusetts Eye and Ear
Classification: Likely pathogenic for Leber congenital amaurosis 10. Last evaluated: 2021-04-08. Review status: criteria provided, single submitter. Criteria: ACMG Guidelines, 2015. Collection method: research. Allele origin: germline. Affected: yes.
Comment: Through a review of available evidence we were able to apply the following criteria: PVS1, PM2. Based on this evidence we have classified this variant as Likely Pathogenic.